The following is an entry in ClinVar:

NM_001378454.1(ALMS1):c.1092del (p.Asp365fs)

Gene: ALMS1 (ALMS1 centrosome and basal body associated protein; plus strand). Cytogenetic location: 2p13.1.
Variant type: Deletion.
Coding change: c.1092del on transcript NM_001378454.1 (MANE Select); coding-DNA position 1092, one base deleted (A; older notation c.1092delA).
Protein change: p.Asp365fs; shifts the reading frame from aspartic acid 365.
Molecular consequence: frameshift variant.
Genome position (GRCh38, 1-based): chr2:73,424,757, A deleted; the last of 3 consecutive A bases (chr2:73,424,755-73,424,757); deleting any one gives the same sequence. VCF-style (leftmost placement, unchanged base first): chr2-73424754-TA-T. GRCh37 (hg19) VCF-style: chr2-73651882-TA-T.
Other names: c.1095delA (NM_015120.4); c.1095del, p.Asp366fs (NM_015120.4); short protein forms D365fs, D366fs.
Identifiers: ClinVar variation 817100 (VCV000817100.11), dbSNP rs1572914641, ClinGen allele CA915944021.

ClinVar aggregate classification (germline): Pathogenic/Likely pathogenic. Review status: criteria provided, multiple submitters, no conflicts (2 of 4 stars). 4 submissions from 4 submitters: Pathogenic (2); Likely pathogenic (1). 1 of the submissions does not count toward it. Last evaluated 2025-10-10.

Conditions:
Alstrom syndrome (ALMS). Identifiers: Orphanet 64, MedGen C0268425, MONDO:0008763, OMIM 203800.
ALMS1-related disorder. Also called: ALMS1-related condition.

Submissions (4):

GeneDx
Classification: Pathogenic. Last evaluated: 2025-10-10. Review status: criteria provided, single submitter. Criteria: GeneDx Variant Classification Process June 2021. Collection method: clinical testing. Allele origin: germline. Affected: yes.
Comment: Frameshift variant predicted to result in protein truncation or nonsense mediated decay in a gene for which loss of function is a known mechanism of disease; Not observed at significant frequency in large population cohorts (gnomAD); This variant is associated with the following publications: (PMID: 38892339)

Labcorp Genetics (formerly Invitae), Labcorp
Classification: Pathogenic for Alstrom syndrome. Last evaluated: 2025-09-13. Review status: criteria provided, single submitter. Criteria: Invitae Variant Classification Sherloc (09022015). Collection method: clinical testing. Allele origin: germline.
Comment: This sequence change creates a premature translational stop signal (p.Asp366Ilefs*11) in the ALMS1 gene. It is expected to result in an absent or disrupted protein product. Loss-of-function variants in ALMS1 are known to be pathogenic (PMID: 17594715). This variant is not present in population databases (gnomAD no frequency). This variant has not been reported in the literature in individuals affected with ALMS1-related conditions. ClinVar contains an entry for this variant (Variation ID: 817100). For these reasons, this variant has been classified as Pathogenic.

Blueprint Genetics
Classification: Likely pathogenic for ALMS1-related disorders. Last evaluated: 2020-08-14. Review status: criteria provided, single submitter. Criteria: ACMG Guidelines, 2015. Collection method: clinical testing. Allele origin: germline. Affected: yes. Observed: 1 variant allele.

Laboratory of Genetics in Ophthalmology, Institut Imagine
Classification: Pathogenic for Alstrom syndrome. Review status: no assertion criteria provided. Collection method: research. Allele origin: inherited. Affected: yes. Not counted in ClinVar's aggregate classification.

Literature cited by the submitters: PubMed 17594715 (cited by Labcorp Genetics (formerly Invitae), Labcorp).